The following is an entry in ClinVar:

ClinVar aggregate classification (somatic clinical impact): Tier I - Strong (1 of 4 stars; one submission).

Conditions:
Diffuse glioma, H3 G34 mutant. Identifiers: MedGen CN377580, MONDO:0957197.

Submission:

Institute for Genomic Medicine (IGM) Clinical Laboratory, Nationwide Children's Hospital
Classification: Tier I - Strong for Diffuse glioma, H3 G34 mutant. Assertion type: diagnostic. Clinical significance: supports diagnosis. Last evaluated: 2023-10-25. Review status: criteria provided, single submitter. Criteria: AMP/ASCO/CAP Guidelines, 2017. Collection method: clinical testing. Allele origin: somatic. Affected: yes.
Comment: Variant has Tier I (strong) clinical significance as a diagnostic inclusion criterion in diffuse glioma, H3 G34 mutant, based on the following evidence: 1) Diagnostic for a specific tumor type/classification based on well-powered studies with expert-level consensus (Evidence Level B; PMIDs: 24705251, 25230881, 28966033, 29763623, 24705250, 33259802, 35195909).

Literature cited by the submitters: PubMed 24705251; PubMed 25230881; PubMed 28966033; PubMed 29763623; PubMed 24705250; PubMed 33259802; PubMed 35195909.

NM_006206.6(PDGFRA):c.950T>A (p.Ile317Asn)

Gene: PDGFRA (platelet derived growth factor receptor alpha; plus strand). Cytogenetic location: 4q12.
Variant type: single nucleotide variant.
Coding change: c.950T>A on transcript NM_006206.6 (MANE Select); coding-DNA position 950, T replaced by A.
Protein change: p.Ile317Asn; replaces isoleucine 317 with asparagine.
Molecular consequence: missense variant.
Genome position (GRCh38, 1-based): chr4:54,267,570, T>A. VCF-style: chr4-54267570-T-A. GRCh37 (hg19) VCF-style: chr4-55133737-T-A.
Other names: c.950T>A, p.Ile317Asn (NM_001347827.2, NM_001347829.2); c.1025T>A, p.Ile342Asn (NM_001347828.2); c.989T>A, p.Ile330Asn (NM_001347830.2); short protein forms I317N, I330N, I342N.
Identifiers: ClinVar variation 4530336 (VCV004530336.1).